The following is an entry in ClinVar:

NM_014714.4(IFT140):c.3600G>A (p.Met1200Ile)

Gene: IFT140 (intraflagellar transport 140; minus strand). Cytogenetic location: 16p13.3.
Variant type: single nucleotide variant.
Coding change: c.3600G>A on transcript NM_014714.4 (MANE Select); coding-DNA position 3600, G replaced by A.
Protein change: p.Met1200Ile; replaces methionine 1200 with isoleucine.
Molecular consequence: missense variant.
Genome position (GRCh38, 1-based): chr16:1,520,662, C>T on the plus strand (G>A on the coding strand, the complement: IFT140 is on the minus strand). VCF-style: chr16-1520662-C-T. GRCh37 (hg19) VCF-style: chr16-1570663-C-T.
Other names: short protein forms M1200I.
Identifiers: ClinVar variation 3578482 (VCV003578482.2).
Genomic context (GRCh38, chr16:1,520,662, plus strand): 5'-CTTCAGCTTGTTGCCGGCCTGCGTGTACTTCTTGGTGGCCAGGTGGTAGCTGCCCTGGCG[C>T]ATGCAGCAGTCTGCTATCTGCTCCAGCAGCTCCCGCCGCGACTCCTCAGGCAGGTCCGAG-3'
Protein context (NP_055529.2, residues 1190-1210): ELLEQIADCC[Met1200Ile]RQGSYHLATK

ClinVar aggregate classification (germline): Uncertain significance. Review status: criteria provided, multiple submitters, no conflicts (2 of 4 stars). 2 submissions from 2 submitters: Uncertain significance (2). Last evaluated 2025-08-14.

Conditions:
Saldino-Mainzer syndrome (SRTD9). Also called: CONORENAL SYNDROME; SHORT-RIB THORACIC DYSPLASIA 9 WITHOUT POLYDACTYLY; Renal dysplasia, retinal pigmentary dystrophy, cerebellar ataxia and skeletal dysplasia; short-rib thoracic dysplasia 9 with or without polydactyly. Identifiers: Orphanet 140969, MedGen C1849437, MONDO:0009964, OMIM 266920.
Retinitis pigmentosa 80 (RP80). Identifiers: MedGen C4540439, MONDO:0054708, OMIM 617781.

Submissions (2):

Labcorp Genetics (formerly Invitae), Labcorp
Classification: Uncertain significance for Saldino-Mainzer syndrome. Last evaluated: 2025-08-14. Review status: criteria provided, single submitter. Criteria: Invitae Variant Classification Sherloc (09022015). Collection method: clinical testing. Allele origin: germline.
Comment: This sequence change replaces methionine, which is neutral and non-polar, with isoleucine, which is neutral and non-polar, at codon 1200 of the IFT140 protein (p.Met1200Ile). This variant is not present in population databases (gnomAD no frequency). This variant has not been reported in the literature in individuals affected with IFT140-related conditions. ClinVar contains an entry for this variant (Variation ID: 3578482). Invitae Evidence Modeling of protein sequence and biophysical properties (such as structural, functional, and spatial information, amino acid conservation, physicochemical variation, residue mobility, and thermodynamic stability) indicates that this missense variant is not expected to disrupt IFT140 protein function with a negative predictive value of 80%. In summary, the available evidence is currently insufficient to determine the role of this variant in disease. Therefore, it has been classified as a Variant of Uncertain Significance.

Fulgent Genetics
Classification: Uncertain significance for Saldino-Mainzer syndrome; Retinitis pigmentosa 80. Last evaluated: 2024-03-31. Review status: criteria provided, single submitter. Criteria: ACMG Guidelines, 2015. Collection method: clinical testing. Allele origin: germline.